The following is an entry in ClinVar:

NM_198578.4(LRRK2):c.2349C>A (p.Asp783Glu)

Gene: LRRK2 (leucine rich repeat kinase 2; plus strand). Cytogenetic location: 12q12.
Variant type: single nucleotide variant.
Coding change: c.2349C>A on transcript NM_198578.4 (MANE Select); coding-DNA position 2349, C replaced by A.
Protein change: p.Asp783Glu; replaces aspartic acid 783 with glutamic acid.
Molecular consequence: missense variant.
Genome position (GRCh38, 1-based): chr12:40,283,982, C>A. VCF-style: chr12-40283982-C-A. GRCh37 (hg19) VCF-style: chr12-40677784-C-A.
Other names: short protein forms D783E.
Identifiers: ClinVar variation 1789953 (VCV001789953.2), dbSNP rs1943811147, ClinGen allele CA384406636.

ClinVar aggregate classification (germline): Uncertain significance (1 of 4 stars; one submission).

Conditions:
Inborn genetic diseases. Identifiers: MedGen C0950123, MeSH D030342.

Submission:

Ambry Genetics
Classification: Uncertain significance for Inborn genetic diseases. Last evaluated: 2024-03-16. Review status: criteria provided, single submitter. Criteria: Ambry Variant Classification Scheme 2023. Collection method: clinical testing. Allele origin: germline.
Comment: The p.D783E variant (also known as c.2349C>A), located in coding exon 19 of the LRRK2 gene, results from a C to A substitution at nucleotide position 2349. The aspartic acid at codon 783 is replaced by glutamic acid, an amino acid with highly similar properties. This amino acid position is conserved. In addition, this alteration is predicted to be tolerated by in silico analysis. Since supporting evidence is limited at this time, the clinical significance of this alteration remains unclear.